The following is an entry in ClinVar:

ClinVar aggregate classification (germline): Likely benign (1 of 4 stars; one submission).

Submission:

GeneDx
Classification: Likely benign. Last evaluated: 2019-09-06. Review status: criteria provided, single submitter. Criteria: GeneDx Variant Classification Process June 2021. Collection method: clinical testing. Allele origin: germline. Affected: yes.
Comment: See Variant Classification Assertion Criteria.

NC_000017.11:g.73192832_73192883del

Gene: COG1 (component of oligomeric golgi complex 1; plus strand). Cytogenetic location: 17q25.1.
Variant type: Deletion.
Genome position: GRCh38: chr17:73,192,832-73,192,883. GRCh37 (hg19): chr17:71,188,971-71,189,022.
Identifiers: ClinVar variation 1706748 (VCV001706748.3), dbSNP rs1568292927, ClinGen allele CA627590021.